The following is an entry in ClinVar:

NM_152594.3(SPRED1):c.1035_1047del (p.Gly350fs)

Gene: SPRED1 (sprouty related EVH1 domain containing 1; plus strand). Cytogenetic location: 15q14.
Variant type: Deletion.
Coding change: c.1035_1047del on transcript NM_152594.3 (MANE Select); coding-DNA positions 1035 to 1047, 13 bases deleted (AGAAAATGTTAGG).
Protein change: p.Gly350fs; shifts the reading frame from glycine 350.
Molecular consequence: frameshift variant.
Genome position (GRCh38, 1-based): chr15:38,351,364-38,351,376, AGAAAATGTTAGG deleted. VCF-style (leftmost placement, unchanged base first): chr15-38351363-AAGAAAATGTTAGG-A. GRCh37 (hg19) VCF-style: chr15-38643564-AAGAAAATGTTAGG-A.
Other names: short protein forms G350fs.
Identifiers: ClinVar variation 3000567 (VCV003000567.3), dbSNP rs2542743623, ClinGen allele CA2740097249.
Genomic context (GRCh38, chr15:38,351,363, plus strand): 5'-GAAGAAAAGAGGATGGTGAACGTTCTCGCTGCGTATACTGCCAGGAAAGGTTTAATCATG[AAGAAAATGTTAGG>A]GGAAAATGTCAGGATGCTCCAGACCCTATTAAAAGATGCATATATCAAGTTAGTTGCATG-3'

ClinVar aggregate classification (germline): Pathogenic (1 of 4 stars; one submission).

Conditions:
Legius syndrome. Identifiers: Orphanet 137605, MedGen C1969623, MONDO:0012669, OMIM 611431. Disease mechanism: loss of function.

Submission:

Labcorp Genetics (formerly Invitae), Labcorp
Classification: Pathogenic for Legius syndrome. Last evaluated: 2023-06-09. Review status: criteria provided, single submitter. Criteria: Invitae Variant Classification Sherloc (09022015). Collection method: clinical testing. Allele origin: germline.
Comment: This sequence change creates a premature translational stop signal (p.Gly350Metfs*52) in the SPRED1 gene. While this is not anticipated to result in nonsense mediated decay, it is expected to disrupt the last 95 amino acid(s) of the SPRED1 protein. This variant is not present in population databases (gnomAD no frequency). This premature translational stop signal has been observed in individual(s) with Legius syndrome (PMID: 19366998, 21089071). This variant disrupts a region of the SPRED1 protein in which other variant(s) (p.Cys418Alafs*6) have been determined to be pathogenic (PMID: 19920235). This suggests that this is a clinically significant region of the protein, and that variants that disrupt it are likely to be disease-causing. For these reasons, this variant has been classified as Pathogenic.

Literature cited by the submitters: PubMed 19366998; PubMed 21089071; PubMed 19920235.